The following is an entry in ClinVar:

NM_018136.5(ASPM):c.9636+4A>G

Gene: ASPM (assembly factor for spindle microtubules; minus strand). Cytogenetic location: 1q31.3.
Variant type: single nucleotide variant.
Coding change: c.9636+4A>G on transcript NM_018136.5 (MANE Select); 4 bases into the intron after coding-DNA position 9636, A replaced by G.
Molecular consequence: intron variant.
Genome position (GRCh38, 1-based): chr1:197,090,846, T>C on the plus strand (A>G on the coding strand, the complement: ASPM is on the minus strand). VCF-style: chr1-197090846-T-C. GRCh37 (hg19) VCF-style: chr1-197059976-T-C.
Other names: c.4881+4A>G (NM_001206846.2).
Identifiers: ClinVar variation 430327 (VCV000430327.3), dbSNP rs1131691906, ClinGen allele CA645369170.

ClinVar aggregate classification (germline): Uncertain significance (1 of 4 stars; one submission).

Allele frequency attached by ClinVar (database versions not stated): gnomAD exomes below 0.00001; TOPMed 0.00001.
gnomAD v4.1: 3 of 1,610,574 alleles (0.00019%); highest among the groups gnomAD compares: Middle Eastern, 0.017%; 1 homozygote.

Submission:

GeneDx
Classification: Uncertain significance. Last evaluated: 2019-06-25. Review status: criteria provided, single submitter. Criteria: GeneDx Variant Classification Process June 2021. Collection method: clinical testing. Allele origin: germline. Affected: yes.
Comment: Not observed in large population cohorts (Lek et al., 2016); Has not been previously published as pathogenic or benign to our knowledge; In silico analysis, which includes splice predictors and evolutionary conservation, suggests this variant may impact gene splicing. In the absence of RNA/functional studies, the actual effect of this sequence change is unknown.